The following is an entry in ClinVar:

NM_020975.6(RET):c.2_7dup (p.Ala2_Lys3insMetAla)

Genes: RET (ret proto-oncogene; plus strand), LOC106736614 (RET 5' regulatory region; plus strand). Cytogenetic location: 10q11.21.
Variant type: Duplication.
Coding change: c.2_7dup on transcript NM_020975.6 (MANE Select); coding-DNA positions 2 to 7, 6 bases duplicated (TGGCGA; older notation c.2_7dupTGGCGA).
Protein change: p.Ala2_Lys3insMetAla.
Molecular consequence: inframe insertion, initiator codon variant. On other transcripts: inframe indel (3).
Genome position (GRCh38, 1-based): chr10:43,077,260-43,077,265, TGGCGA duplicated; duplicating any 6 consecutive bases within chr10:43,077,255-43,077,265 gives the same sequence; the c. name uses the placement nearest the transcript's 3' end. VCF-style (leftmost placement, unchanged base first): chr10-43077254-G-GGGCGAT. GRCh37 (hg19) VCF-style: chr10-43572702-G-GGGCGAT.
Other names: c.2_7dupTGGCGA (NM_020975.4); c.2_7dup, p.Ala2_Lys3insMetAla (NM_000323.2, NM_001406743.1, NM_001406744.1 and 38 more transcripts).
Identifiers: ClinVar variation 2447524 (VCV002447524.4), dbSNP rs2491932875, ClinGen allele CA2580081456.
Genomic context (GRCh38, chr10:43,077,254, plus strand): 5'-CCGCCATCCAGACCCGCCGGCCCTAGCCGCAGTCCCTCCAGCCGTGGCCCCAGCGCGCAC[G>GGGCGAT]GGCGATGGCGAAGGCGACGTCCGGTGCCGCGGGGCTGCGTCTGCTGTTGCTGCTGCTGCT-3'

ClinVar aggregate classification (germline): Conflicting classifications of pathogenicity. Review status: criteria provided, conflicting classifications (1 of 4 stars). 2 submissions from 2 submitters: Uncertain significance (1); Likely benign (1). Last evaluated 2023-07-22.

Conditions:
Hereditary cancer-predisposing syndrome. Also called: Neoplastic Syndromes, Hereditary; Hereditary Cancer Syndrome; Tumor predisposition; Hereditary neoplastic syndrome. Identifiers: Orphanet 140162, MedGen C0027672, MeSH D009386, MONDO:0015356.
Multiple endocrine neoplasia, type 2 (MEN2). Identifiers: Orphanet 653, MedGen C4048306, MONDO:0019003. Disease mechanism: gain of function.

Submissions (2):

All of Us Research Program, National Institutes of Health
Classification: Uncertain significance for Multiple endocrine neoplasia, type 2. Last evaluated: 2023-07-22. Review status: criteria provided, single submitter. Criteria: ACMG Guidelines, 2015. Collection method: clinical testing. Allele origin: germline. Inheritance: Autosomal dominant inheritance. Observed: 2 variant alleles, 2 heterozygotes.
Comment: This variant causes a 6-basepair duplication that is predicted to result in an in-frame duplication of the first two amino acids, methionine 1 and alanine 2, of the RET protein. To our knowledge, functional studies have not been reported for this variant. This variant has not been reported in individuals affected with RET-related disorders in the literature. This variant has not been identified in the general population by the Genome Aggregation Database (gnomAD). The available evidence is insufficient to determine the role of this variant in disease conclusively. Therefore, this variant is classified as a Variant of Uncertain Significance.

This study involves interpretation of variants in research participants for the purpose of population health screening. Participant phenotype was not available at the time of variant classification. Additional details can be found in publication PMID: 35346344, PMCID: PMC8962531

Ambry Genetics
Classification: Likely benign for Hereditary cancer-predisposing syndrome. Last evaluated: 2023-01-05. Review status: criteria provided, single submitter. Criteria: Ambry Variant Classification Scheme 2023. Collection method: clinical testing. Allele origin: germline.